The following is an entry in ClinVar:

ClinVar aggregate classification (germline): Uncertain significance (1 of 4 stars; one submission).

Conditions:
Hereditary cancer-predisposing syndrome. Also called: Neoplastic Syndromes, Hereditary; Tumor predisposition; Hereditary Cancer Syndrome; Hereditary neoplastic syndrome. Identifiers: Orphanet 140162, MedGen C0027672, MeSH D009386, MONDO:0015356.

Submission:

Ambry Genetics
Classification: Uncertain significance for Hereditary cancer-predisposing syndrome. Last evaluated: 2025-11-05. Review status: criteria provided, single submitter. Criteria: Ambry Variant Classification Scheme 2023. Collection method: clinical testing. Allele origin: germline.
Comment: The p.F1241L variant (also known as c.3723T>A), located in coding exon 10 of the BRCA2 gene, results from a T to A substitution at nucleotide position 3723. The phenylalanine at codon 1241 is replaced by leucine, an amino acid with highly similar properties. This amino acid position is highly conserved in available vertebrate species. In addition, the in silico prediction for this alteration is inconclusive. Based on the available evidence, the clinical significance of this variant remains unclear.

NM_000059.4(BRCA2):c.3723T>A (p.Phe1241Leu)

Gene: BRCA2 (BRCA2 DNA repair associated; plus strand). Cytogenetic location: 13q13.1.
Variant type: single nucleotide variant.
Coding change: c.3723T>A on transcript NM_000059.4 (MANE Select); coding-DNA position 3723, T replaced by A.
Protein change: p.Phe1241Leu; replaces phenylalanine 1241 with leucine.
Molecular consequence: missense variant. On other transcripts: non-coding transcript variant (1), intron variant (2).
Genome position (GRCh38, 1-based): chr13:32,338,078, T>A. VCF-style: chr13-32338078-T-A. GRCh37 (hg19) VCF-style: chr13-32912215-T-A.
Other names: c.3723T>A, p.Phe1241Leu (NM_001406719.1, NM_001406720.1, NM_001432077.1); c.1909+4691T>A (NM_001406721.1); c.425-6480T>A (NM_001406722.1); short protein forms F1241L.
Identifiers: ClinVar variation 4628965 (VCV004628965.1).